The following is an entry in ClinVar:

ClinVar aggregate classification (germline): Uncertain significance (1 of 4 stars; one submission).

Submission:

GeneDx
Classification: Uncertain significance. Last evaluated: 2022-05-13. Review status: criteria provided, single submitter. Criteria: GeneDx Variant Classification Process June 2021. Collection method: clinical testing. Allele origin: germline. Affected: yes.
Comment: Not observed at significant frequency in large population cohorts (gnomAD); Nonsense variant predicted to result in protein truncation as the last 15 amino acids are lost, although loss-of-function variants have not been reported downstream of this position in the protein; Has not been previously published as pathogenic or benign to our knowledge

NM_004387.4(NKX2-5):c.928C>T (p.Gln310Ter)

Gene: NKX2-5 (NK2 homeobox 5; minus strand). Cytogenetic location: 5q35.1.
Variant type: single nucleotide variant.
Coding change: c.928C>T on transcript NM_004387.4 (MANE Select); coding-DNA position 928, C replaced by T.
Protein change: p.Gln310Ter; replaces glutamine 310 with a stop codon.
Molecular consequence: nonsense. On other transcripts: 3 prime UTR variant (2).
Genome position (GRCh38, 1-based): chr5:173,232,616, G>A on the plus strand (C>T on the coding strand, the complement: NKX2-5 is on the minus strand). VCF-style: chr5-173232616-G-A. GRCh37 (hg19) VCF-style: chr5-172659619-G-A.
Other names: c.*881C>T (NM_001166175.2); c.*727C>T (NM_001166176.2); short protein forms Q310*.
Identifiers: ClinVar variation 1723685 (VCV001723685.2), dbSNP rs2480070842, ClinGen allele CA362160815.
Genomic context (GRCh38, chr5:173,232,616, plus strand): 5'-GCGGGTCCCTTCCCTACCAGGCTCGGATACCATGCAGCGTGGACACTCCCGAGTTGCTCT[G>A]CGGAATCCCGGGGCTCTGAACCGCATTCAAGTCCCCGACGCCGAAGTTCACGAAGTTGTT-3'